The following is an entry in ClinVar:

ClinVar aggregate classification (germline): Likely pathogenic (1 of 4 stars; one submission).

Conditions:
Hereditary cancer-predisposing syndrome. Also called: Tumor predisposition; Neoplastic Syndromes, Hereditary; Hereditary Cancer Syndrome; Hereditary neoplastic syndrome. Identifiers: Orphanet 140162, MedGen C0027672, MeSH D009386, MONDO:0015356.

Submission:

Ambry Genetics
Classification: Likely pathogenic for Hereditary cancer-predisposing syndrome. Last evaluated: 2024-07-09. Review status: criteria provided, single submitter. Criteria: Ambry Variant Classification Scheme 2023. Collection method: clinical testing. Allele origin: germline.
Comment: The c.4992_4993insAlu likely pathogenic variant results from the insertion of an Alu element between nucleotides 4992 and 4993 in coding exon 10 of the BRCA2 gene. Mobile element insertions contribute to pathogenicity by either disrupting the coding sequence or inducing aberrant splicing (Belancio VP et al. Semin. Cancer Biol. 2010 Aug;20:200-10; Deininger P et al. Genome Biol. 2011 Dec;12:236; van der Klift HM Hum Mutat. 2012 Jul;33(7):1051-5). Multiple Alu element insertions have been reported in coding exon 10 of the BRCA2 gene (also called Exon 11) (Qian Y et al. Cancer Genet. 2017 Oct;216-217:159-169). Based on the majority of available evidence to date, this variant is likely to be pathogenic.

NM_000059.3:c.4992_4993insALU

Gene: BRCA2 (BRCA2 DNA repair associated; plus strand).
Variant type: Insertion.
Identifiers: ClinVar variation 3481997 (VCV003481997.1).